The following is an entry in ClinVar:

NM_002029.4(FPR1):c.160C>T (p.Arg54Trp)

Gene: FPR1 (formyl peptide receptor 1; minus strand). Cytogenetic location: 19q13.41.
Variant type: single nucleotide variant.
Coding change: c.160C>T on transcript NM_002029.4 (MANE Select); coding-DNA position 160, C replaced by T.
Protein change: p.Arg54Trp; replaces arginine 54 with tryptophan.
Molecular consequence: missense variant.
Genome position (GRCh38, 1-based): chr19:51,746,835, G>A on the plus strand (C>T on the coding strand, the complement: FPR1 is on the minus strand). VCF-style: chr19-51746835-G-A. GRCh37 (hg19) VCF-style: chr19-52250088-G-A.
Other names: c.160C>T, p.Arg54Trp (NM_001193306.2); short protein forms R54W.
Identifiers: ClinVar variation 965936 (VCV000965936.11), dbSNP rs138475342, ClinGen allele CA9616517.

ClinVar aggregate classification (germline): Uncertain significance (1 of 4 stars; one submission).

Conditions:
Gingival disorder. Also called: Gingival disease. Identifiers: MedGen C0017563, MONDO:0002021.

Allele frequency attached by ClinVar (database versions not stated): gnomAD exomes 0.00002 and 0.00004; gnomAD 0.00003 and 0.00004; ExAC 0.00005; TOPMed 0.00005; ESP Exome Variant Server 0.00008.
gnomAD v4.1: 28 of 1,613,998 alleles (0.0017%); highest among the groups gnomAD compares: African/African-American, 0.016%; no homozygotes.

Submission:

Labcorp Genetics (formerly Invitae), Labcorp
Classification: Uncertain significance for Gingival disorder. Last evaluated: 2025-11-03. Review status: criteria provided, single submitter. Criteria: Invitae Variant Classification Sherloc (09022015). Collection method: clinical testing. Allele origin: germline.
Comment: This sequence change replaces arginine, which is basic and polar, with tryptophan, which is neutral and slightly polar, at codon 54 of the FPR1 protein (p.Arg54Trp). This variant is present in population databases (rs138475342, gnomAD 0.02%). This variant has not been reported in the literature in individuals affected with FPR1-related conditions. ClinVar contains an entry for this variant (Variation ID: 965936). An algorithm developed to predict the effect of missense changes on protein structure and function (PolyPhen-2) suggests that this variant is likely to be disruptive. In summary, the available evidence is currently insufficient to determine the role of this variant in disease. Therefore, it has been classified as a Variant of Uncertain Significance.